The following is an entry in ClinVar:

ClinVar aggregate classification (germline): Uncertain significance (0 of 4 stars; one submission).

Allele frequency attached by ClinVar (database versions not stated): gnomAD 0.00001 and 0.00003; TOPMed 0.00002; gnomAD exomes 0.00006 and 0.00012; ExAC 0.00011.
gnomAD v4.1: 90 of 1,613,978 alleles (0.0056%); highest among the groups gnomAD compares: South Asian, 0.085%; 1 homozygote.

Submission:

Department of Pathology and Laboratory Medicine, Sinai Health System
Classification: Uncertain significance. Review status: no assertion criteria provided. Collection method: clinical testing. Allele origin: unknown. Affected: yes. Study: The Canadian Open Genetics Repository (COGR).
Comment: The SMAD7 p.Thr354Thr variant was identified in one individual with ventricular septal defects, as well as one individual with congenital heart disease (Sa'dom_2016_PMID:28078173; Wang_2013_PMID:24039762). The variant was identified in control databases in 31 of 251218 chromosomes at a frequency of 0.0001234 (Genome Aggregation Database March 6, 2019, v2.1.1). The p.Thr354Thr variant is not expected to have clinical significance because it does not result in a change of amino acid and is not located in a known consensus splice site. Further, in silico or computational prediction software programs (Splice AI exome) do not predict a deleterious effect on splicing. In summary, based on the above information the clinical significance of this variant cannot be determined with certainty at this time. This variant is classified as a variant of uncertain significance.

NM_005904.4(SMAD7):c.1062G>A (p.Thr354=)

Gene: SMAD7 (SMAD family member 7; minus strand). Cytogenetic location: 18q21.1.
Variant type: single nucleotide variant.
Coding change: c.1062G>A on transcript NM_005904.4 (MANE Select); coding-DNA position 1062, G replaced by A.
Protein change: p.Thr354=; no amino-acid change (threonine 354 retained).
Molecular consequence: synonymous variant.
Genome position (GRCh38, 1-based): chr18:48,921,591, C>T on the plus strand (G>A on the coding strand, the complement: SMAD7 is on the minus strand). VCF-style: chr18-48921591-C-T. GRCh37 (hg19) VCF-style: chr18-46447961-C-T.
Other names: c.1059G>A, p.Thr353= (NM_001190821.2); c.417G>A, p.Thr139= (NM_001190822.2); c.498G>A, p.Thr166= (NM_001190823.2).
Identifiers: ClinVar variation 1050390 (VCV001050390.1), dbSNP rs780863704, ClinGen allele CA8957629.
Genomic context (GRCh38, chr18:48,921,591, plus strand): 5'-CGCCTTCTCGTAGTCGAAAGCCTTGATGGAGAAACCGGGGAACACCTTGTGTACCAACAG[C>T]GTCCTGGAGTCCGGGTTGTCCAGTGTGGCGGACTTGATGAAGATGGGGTAACTGCTGCGG-3'
Protein context (NP_005895.1, residues 344-364): SATLDNPDSR[Thr354=]LLVHKVFPGF